The following is an entry in ClinVar:

ClinVar aggregate classification (germline): Uncertain significance (1 of 4 stars; one submission).

Allele frequency attached by ClinVar (database versions not stated): TOPMed 0.00002; gnomAD 0.00003; gnomAD exomes 0.00001.
gnomAD v4.1: 13 of 1,613,858 alleles (0.00081%); highest among the groups gnomAD compares: Non-Finnish European, 0.0011%; no homozygotes.

Submission:

Labcorp Genetics (formerly Invitae), Labcorp
Classification: Uncertain significance. Last evaluated: 2025-10-07. Review status: criteria provided, single submitter. Criteria: Invitae Variant Classification Sherloc (09022015). Collection method: clinical testing. Allele origin: germline.
Comment: This sequence change replaces leucine, which is neutral and non-polar, with serine, which is neutral and polar, at codon 312 of the EMC1 protein (p.Leu312Ser). This variant is present in population databases (no rsID available, gnomAD 0.002%). This variant has not been reported in the literature in individuals affected with EMC1-related conditions. ClinVar contains an entry for this variant (Variation ID: 1969265). Invitae Evidence Modeling of protein sequence and biophysical properties (such as structural, functional, and spatial information, amino acid conservation, physicochemical variation, residue mobility, and thermodynamic stability) indicates that this missense variant is not expected to disrupt EMC1 protein function with a negative predictive value of 80%. In summary, the available evidence is currently insufficient to determine the role of this variant in disease. Therefore, it has been classified as a Variant of Uncertain Significance.

NM_015047.3(EMC1):c.935T>C (p.Leu312Ser)

Genes: EMC1 (ER membrane protein complex subunit 1; minus strand), EMC1-AS1 (EMC1 antisense RNA 1; plus strand). Cytogenetic location: 1p36.13.
Variant type: single nucleotide variant.
Coding change: c.935T>C on transcript NM_015047.3 (MANE Select); coding-DNA position 935, T replaced by C.
Protein change: p.Leu312Ser; replaces leucine 312 with serine.
Molecular consequence: missense variant.
Genome position (GRCh38, 1-based): chr1:19,239,837, A>G on the plus strand (T>C on the coding strand, the complement: EMC1 is on the minus strand). VCF-style: chr1-19239837-A-G. GRCh37 (hg19) VCF-style: chr1-19566331-A-G.
Other names: c.935T>C, p.Leu312Ser (NM_001271427.2, NM_001271428.2, NM_001375820.1 and 1 more transcripts); c.869T>C, p.Leu290Ser (NM_001271429.2); short protein forms L312S, L290S.
Identifiers: ClinVar variation 1969265 (VCV001969265.5), dbSNP rs969270384, ClinGen allele CA18821979.